The following is an entry in ClinVar:

NC_000007.13:g.(?_124464010)_(124499172_?)dup

Gene: POT1 (protection of telomeres 1; minus strand). Cytogenetic location: 7q31.33.
Variant type: Duplication.
Identifiers: ClinVar variation 583933 (VCV000583933.1).

ClinVar aggregate classification (germline): Uncertain significance (1 of 4 stars; one submission).

Conditions:
Tumor predisposition syndrome 3 (TPDS3). Also called: Melanoma, cutaneous malignant, susceptibility to, 10; LONG TELOMERE SYNDROME, POT1-RELATED; POT1 Tumor Predisposition; Glioma susceptibility 9. Identifiers: Orphanet 618, MedGen C4014476, MONDO:0014368, OMIM 615848.

Submission:

Labcorp Genetics (formerly Invitae), Labcorp
Classification: Uncertain significance for Melanoma, cutaneous malignant, susceptibility to, 10. Last evaluated: 2018-03-09. Review status: criteria provided, single submitter. Criteria: Invitae Variant Classification Sherloc (09022015). Collection method: clinical testing. Allele origin: germline.
Comment: This variant is a gross duplication of the genomic region encompassing exons 9-19 of the POT1 gene. While the exact position of the duplicated exons cannot be determined from this data, sub-genic duplications are generally in tandem (PMID: 25640679). This duplication would be expected to be in-frame, preserving the integrity of the reading frame. This variant has not been reported in the literature in individuals with POT1-related disease. In summary, the available evidence is currently insufficient to determine the role of this variant in disease. Therefore, it has been classified as a Variant of Uncertain Significance.